The following is an entry in ClinVar:

NM_000136.3(FANCC):c.469T>A (p.Leu157Ile)

Gene: FANCC (FA complementation group C; minus strand). Cytogenetic location: 9q22.32.
Variant type: single nucleotide variant.
Coding change: c.469T>A on transcript NM_000136.3 (MANE Select); coding-DNA position 469, T replaced by A.
Protein change: p.Leu157Ile; replaces leucine 157 with isoleucine.
Molecular consequence: missense variant.
Genome position (GRCh38, 1-based): chr9:95,171,131, A>T on the plus strand (T>A on the coding strand, the complement: FANCC is on the minus strand). VCF-style: chr9-95171131-A-T. GRCh37 (hg19) VCF-style: chr9-97933413-A-T.
Other names: c.469T>A, p.Leu157Ile (NM_001243743.2, NM_001243744.2); short protein forms L157I.
Identifiers: ClinVar variation 1037144 (VCV001037144.6), dbSNP rs1825652301, ClinGen allele CA374338652.
Genomic context (GRCh38, chr9:95,171,131, plus strand): 5'-ACACCTACCGCCTTTGAGTGTTAAATCCATTAAGATGATTCTCTCTGAGTTCAGACGCTA[A>T]TGATAAAACCATCTGTAAAACAAAATCAGTTGCAGGTTAACTCACGCTGCAAACAGGATT-3'
Protein context (NP_000127.2, residues 147-167): PGLLKNMVLS[Leu157Ile]ASELRENHLN

ClinVar aggregate classification (germline): Uncertain significance. Review status: criteria provided, multiple submitters, no conflicts (2 of 4 stars). 2 submissions from 2 submitters: Uncertain significance (2). Last evaluated 2023-11-11.

Conditions:
Hereditary cancer-predisposing syndrome. Also called: Neoplastic Syndromes, Hereditary; Hereditary Cancer Syndrome; Tumor predisposition; Hereditary neoplastic syndrome. Identifiers: Orphanet 140162, MedGen C0027672, MeSH D009386, MONDO:0015356.
Fanconi anemia (FA). Also called: Fanconi's anemia. Identifiers: Orphanet 84, MedGen C0015625, MeSH D005199, MONDO:0019391.

Submissions (2):

Ambry Genetics
Classification: Uncertain significance for Hereditary cancer-predisposing syndrome. Last evaluated: 2023-11-11. Review status: criteria provided, single submitter. Criteria: Ambry Variant Classification Scheme 2023. Collection method: clinical testing. Allele origin: germline.
Comment: The p.L157I variant (also known as c.469T>A), located in coding exon 5 of the FANCC gene, results from a T to A substitution at nucleotide position 469. The leucine at codon 157 is replaced by isoleucine, an amino acid with highly similar properties. This amino acid position is highly conserved in available vertebrate species. In addition, this alteration is predicted to be tolerated by in silico analysis. Since supporting evidence is limited at this time, the clinical significance of this alteration remains unclear.

Labcorp Genetics (formerly Invitae), Labcorp
Classification: Uncertain significance for Fanconi anemia. Last evaluated: 2022-07-25. Review status: criteria provided, single submitter. Criteria: Invitae Variant Classification Sherloc (09022015). Collection method: clinical testing. Allele origin: germline.
Comment: This sequence change replaces leucine, which is neutral and non-polar, with isoleucine, which is neutral and non-polar, at codon 157 of the FANCC protein (p.Leu157Ile). This variant is not present in population databases (gnomAD no frequency). This variant has not been reported in the literature in individuals affected with FANCC-related conditions. ClinVar contains an entry for this variant (Variation ID: 1037144). Algorithms developed to predict the effect of missense changes on protein structure and function are either unavailable or do not agree on the potential impact of this missense change (SIFT: "Tolerated"; PolyPhen-2: "Probably Damaging"; Align-GVGD: "Class C0"). In summary, the available evidence is currently insufficient to determine the role of this variant in disease. Therefore, it has been classified as a Variant of Uncertain Significance.